The following is an entry in ClinVar:

ClinVar aggregate classification (germline): Likely benign. Review status: criteria provided, multiple submitters, no conflicts (2 of 4 stars). 2 submissions from 2 submitters: Likely benign (2). Last evaluated 2026-06-24.

gnomAD v4.1: 83 of 1,559,778 alleles (0.0053%); highest among the groups gnomAD compares: African/African-American, 0.056%; no homozygotes.

Submissions (2):

Women's Health and Genetics/Laboratory Corporation of America, LabCorp
Classification: Likely benign. Last evaluated: 2026-06-24. Review status: criteria provided, single submitter. Criteria: LabCorp Variant Classification Summary - May 2015. Collection method: clinical testing. Allele origin: germline.
Comment: Variant summary: FGFR1 c.-88-19G>T is located in the untranslated mRNA region upstream of the initiation codon. The variant was detected at a frequency of 5.3e-05 in 1559778 control chromosomes, predominantly in individuals of African or African-American descent, at a frequency of 0.00056 in 73826 control chromosomes in the gnomAD database, suggesting the variant may be benign. To our knowledge, no occurrence of c.-88-19G>T in individuals affected with FGFR1-related conditions and no experimental evidence demonstrating its impact on protein function have been reported. ClinVar contains an entry for this variant (Variation ID: 3339525). Based on the evidence outlined above, the variant was classified as likely benign.

ARUP Laboratories, Molecular Genetics and Genomics, ARUP Laboratories
Classification: Likely benign. Last evaluated: 2024-03-19. Review status: criteria provided, single submitter. Criteria: ARUP Molecular Germline Variant Investigation Process 2024. Collection method: clinical testing. Allele origin: germline.

NM_023110.3(FGFR1):c.-88-19G>T

Gene: FGFR1 (fibroblast growth factor receptor 1; minus strand). Cytogenetic location: 8p11.23.
Variant type: single nucleotide variant.
Coding change: c.-88-19G>T on transcript NM_023110.3 (MANE Select); 19 bases into the intron before 88 bases upstream of the start codon, G replaced by T.
Molecular consequence: intron variant.
Genome position (GRCh38, 1-based): chr8:38,457,553, C>A on the plus strand (G>T on the coding strand, the complement: FGFR1 is on the minus strand). VCF-style: chr8-38457553-C-A. GRCh37 (hg19) VCF-style: chr8-38315071-C-A.
Other names: c.-88-19G>T (NM_023105.3, NM_001354367.2, NM_015850.4 and 8 more transcripts); c.-180-19G>T (NM_001174064.2); c.12-19G>T (NM_001174067.2).
Identifiers: ClinVar variation 3339525 (VCV003339525.3).